The following is an entry in ClinVar:

ClinVar aggregate classification (germline): Conflicting classifications of pathogenicity. Review status: criteria provided, conflicting classifications (1 of 4 stars). 2 submissions from 2 submitters: Uncertain significance (1); Likely benign (1). Last evaluated 2022-08-01.

Conditions:
Saldino-Mainzer syndrome (SRTD9). Also called: CONORENAL SYNDROME; Renal dysplasia, retinal pigmentary dystrophy, cerebellar ataxia and skeletal dysplasia; short-rib thoracic dysplasia 9 with or without polydactyly; SHORT-RIB THORACIC DYSPLASIA 9 WITHOUT POLYDACTYLY. Identifiers: Orphanet 140969, MedGen C1849437, MONDO:0009964, OMIM 266920.

Allele frequency attached by ClinVar (database versions not stated): gnomAD 0.00001; TOPMed 0.00001; ExAC 0.00002; gnomAD exomes 0.00002.
gnomAD v4.1: 23 of 1,614,066 alleles (0.0014%); highest among the groups gnomAD compares: Non-Finnish European, 0.0019%; no homozygotes.

Submissions (2):

CeGaT Center for Human Genetics Tuebingen
Classification: Likely benign. Last evaluated: 2022-08-01. Review status: criteria provided, single submitter. Criteria: CeGaT Center For Human Genetics Tuebingen Variant Classification Criteria Version 2. Collection method: clinical testing. Allele origin: germline. Affected: yes. Observed: 1 variant allele.
Comment: IFT140: BP4

Labcorp Genetics (formerly Invitae), Labcorp
Classification: Uncertain significance for Saldino-Mainzer syndrome. Last evaluated: 2022-03-09. Review status: criteria provided, single submitter. Criteria: Invitae Variant Classification Sherloc (09022015). Collection method: clinical testing. Allele origin: germline.
Comment: In summary, the available evidence is currently insufficient to determine the role of this variant in disease. Therefore, it has been classified as a Variant of Uncertain Significance. Algorithms developed to predict the effect of missense changes on protein structure and function output the following: SIFT: "Tolerated"; PolyPhen-2: "Benign"; Align-GVGD: "Class C0". The asparagine amino acid residue is found in multiple mammalian species, which suggests that this missense change does not adversely affect protein function. This variant has not been reported in the literature in individuals affected with IFT140-related conditions. This variant is present in population databases (rs762973022, gnomAD 0.004%). This sequence change replaces aspartic acid, which is acidic and polar, with asparagine, which is neutral and polar, at codon 741 of the IFT140 protein (p.Asp741Asn).

NM_014714.4(IFT140):c.2221G>A (p.Asp741Asn)

Gene: IFT140 (intraflagellar transport 140; minus strand). Cytogenetic location: 16p13.3.
Variant type: single nucleotide variant.
Coding change: c.2221G>A on transcript NM_014714.4 (MANE Select); coding-DNA position 2221, G replaced by A.
Protein change: p.Asp741Asn; replaces aspartic acid 741 with asparagine.
Molecular consequence: missense variant.
Genome position (GRCh38, 1-based): chr16:1,558,113, C>T on the plus strand (G>A on the coding strand, the complement: IFT140 is on the minus strand). VCF-style: chr16-1558113-C-T. GRCh37 (hg19) VCF-style: chr16-1608114-C-T.
Other names: short protein forms D741N.
Identifiers: ClinVar variation 2201193 (VCV002201193.28), dbSNP rs762973022, ClinGen allele CA7813958.